The following is an entry in ClinVar:

NM_015338.6(ASXL1):c.2869A>C (p.Thr957Pro)

Gene: ASXL1 (ASXL transcriptional regulator 1; plus strand). Cytogenetic location: 20q11.21.
Variant type: single nucleotide variant.
Coding change: c.2869A>C on transcript NM_015338.6 (MANE Select); coding-DNA position 2869, A replaced by C.
Protein change: p.Thr957Pro; replaces threonine 957 with proline.
Molecular consequence: missense variant.
Genome position (GRCh38, 1-based): chr20:32,435,581, A>C. VCF-style: chr20-32435581-A-C. GRCh37 (hg19) VCF-style: chr20-31023384-A-C.
Other names: c.2869A>C (NM_015338.5); c.2686A>C, p.Thr896Pro (NM_001363734.1); short protein forms T957P, T896P.
Identifiers: ClinVar variation 1360904 (VCV001360904.9), dbSNP rs1266042922, ClinGen allele CA408561515.

ClinVar aggregate classification (germline): Conflicting classifications of pathogenicity. Review status: criteria provided, conflicting classifications (1 of 4 stars). 2 submissions from 2 submitters: Uncertain significance (1); Likely benign (1). Last evaluated 2025-02-20.

Conditions:
Inborn genetic diseases. Identifiers: MedGen C0950123, MeSH D030342.

Submissions (2):

Labcorp Genetics (formerly Invitae), Labcorp
Classification: Uncertain significance. Last evaluated: 2025-02-20. Review status: criteria provided, single submitter. Criteria: Invitae Variant Classification Sherloc (09022015). Collection method: clinical testing. Allele origin: germline.
Comment: This sequence change replaces threonine, which is neutral and polar, with proline, which is neutral and non-polar, at codon 957 of the ASXL1 protein (p.Thr957Pro). This variant is present in population databases (no rsID available, gnomAD 0.003%). This variant has not been reported in the literature in individuals affected with ASXL1-related conditions. ClinVar contains an entry for this variant (Variation ID: 1360904). An algorithm developed to predict the effect of missense changes on protein structure and function outputs the following: PolyPhen-2: "Benign". The proline amino acid residue is found in multiple mammalian species, which suggests that this missense change does not adversely affect protein function. In summary, the available evidence is currently insufficient to determine the role of this variant in disease. Therefore, it has been classified as a Variant of Uncertain Significance.

Ambry Genetics
Classification: Likely benign for Inborn genetic diseases. Last evaluated: 2025-01-28. Review status: criteria provided, single submitter. Criteria: Ambry Variant Classification Scheme 2023. Collection method: clinical testing. Allele origin: germline.